The following is an entry in ClinVar:

NM_032043.3(BRIP1):c.1485T>G (p.Ser495=)

Gene: BRIP1 (BRCA1 interacting DNA helicase 1; minus strand). Cytogenetic location: 17q23.2.
Variant type: single nucleotide variant.
Coding change: c.1485T>G on transcript NM_032043.3 (MANE Select); coding-DNA position 1485, T replaced by G.
Protein change: p.Ser495=; no amino-acid change (serine 495 retained).
Molecular consequence: synonymous variant.
Genome position (GRCh38, 1-based): chr17:61,784,413, A>C on the plus strand (T>G on the coding strand, the complement: BRIP1 is on the minus strand). VCF-style: chr17-61784413-A-C. GRCh37 (hg19) VCF-style: chr17-59861774-A-C.
Identifiers: ClinVar variation 185439 (VCV000185439.22), dbSNP rs370658123, ClinGen allele CA191957.

ClinVar aggregate classification (germline): Benign/Likely benign. Review status: criteria provided, multiple submitters, no conflicts (2 of 4 stars). 6 submissions from 6 submitters: Benign (1); Likely benign (5). Last evaluated 2026-01-21.

Conditions:
Hereditary cancer-predisposing syndrome. Also called: Tumor predisposition; Hereditary Cancer Syndrome; Hereditary neoplastic syndrome; Neoplastic Syndromes, Hereditary. Identifiers: Orphanet 140162, MedGen C0027672, MeSH D009386, MONDO:0015356.
Familial cancer of breast. Also called: BREAST CANCER, FAMILIAL; hereditary breast carcinoma; Hereditary breast cancer. Identifiers: Orphanet 227535, MedGen C0346153, MONDO:0016419, OMIM 114480. Disease mechanism: loss of function.
Fanconi anemia complementation group J. Also called: BRIP1-Related Fanconi Anemia. Identifiers: Orphanet 84, MedGen C1836860, MONDO:0012187, OMIM 609054.

Allele frequency attached by ClinVar (database versions not stated): ExAC 0.00002; ESP Exome Variant Server 0.00008.
gnomAD v4.1: 8 of 1,613,058 alleles (0.0005%); highest among the groups gnomAD compares: African/African-American, 0.0013%; no homozygotes.

Submissions (6):

Labcorp Genetics (formerly Invitae), Labcorp
Classification: Likely benign for Familial cancer of breast; Fanconi anemia complementation group J. Last evaluated: 2026-01-21. Review status: criteria provided, single submitter. Criteria: Invitae Variant Classification Sherloc (09022015). Collection method: clinical testing. Allele origin: germline.

Myriad Genetics, Inc.
Classification: Benign for Familial cancer of breast. Last evaluated: 2024-08-28. Review status: criteria provided, single submitter. Criteria: Myriad Autosomal Dominant, Autosomal Recessive and X-Linked Classification Criteria (2023). Collection method: clinical testing. Allele origin: unknown.
Comment: This variant is considered benign. This variant is a silent/synonymous amino acid change and it is not expected to impact splicing.

Women's Health and Genetics/Laboratory Corporation of America, LabCorp
Classification: Likely benign. Last evaluated: 2022-04-05. Review status: criteria provided, single submitter. Criteria: LabCorp Variant Classification Summary - May 2015. Collection method: clinical testing. Allele origin: germline.

GeneDx
Classification: Likely benign. Last evaluated: 2020-08-25. Review status: criteria provided, single submitter. Criteria: GeneDx Variant Classification Process June 2021. Collection method: clinical testing. Allele origin: germline. Affected: yes.

Color Diagnostics, LLC DBA Color Health
Classification: Likely benign for Hereditary cancer-predisposing syndrome. Last evaluated: 2017-10-02. Review status: criteria provided, single submitter. Criteria: ACMG Guidelines, 2015. Collection method: clinical testing. Allele origin: germline.

Ambry Genetics
Classification: Likely benign for Hereditary cancer-predisposing syndrome. Last evaluated: 2014-10-06. Review status: criteria provided, single submitter. Criteria: Ambry Variant Classification Scheme 2023. Collection method: clinical testing. Allele origin: germline.